The following is an entry in ClinVar:

NM_004656.4(BAP1):c.1791C>T (p.Ser597=)

Gene: BAP1 (BRCA1 associated deubiquitinase 1; minus strand). Cytogenetic location: 3p21.1.
Variant type: single nucleotide variant.
Coding change: c.1791C>T on transcript NM_004656.4 (MANE Select); coding-DNA position 1791, C replaced by T.
Protein change: p.Ser597=; no amino-acid change (serine 597 retained).
Molecular consequence: synonymous variant.
Genome position (GRCh38, 1-based): chr3:52,403,237, G>A on the plus strand (C>T on the coding strand, the complement: BAP1 is on the minus strand). VCF-style: chr3-52403237-G-A. GRCh37 (hg19) VCF-style: chr3-52437253-G-A.
Identifiers: ClinVar variation 346116 (VCV000346116.23), dbSNP rs751730111, ClinGen allele CA2436716.

ClinVar aggregate classification (germline): Benign/Likely benign. Review status: criteria provided, multiple submitters, no conflicts (2 of 4 stars). 6 submissions from 6 submitters: Benign (1); Likely benign (5). Last evaluated 2025-11-10.

Conditions:
Hereditary cancer-predisposing syndrome. Also called: Neoplastic Syndromes, Hereditary; Tumor predisposition; Hereditary neoplastic syndrome; Hereditary Cancer Syndrome. Identifiers: Orphanet 140162, MedGen C0027672, MeSH D009386, MONDO:0015356.
BAP1-related tumor predisposition syndrome (TPDS1). Also called: Tumor susceptibility linked to germline BAP1 mutations; BAP1 tumor predisposition syndrome; TUMOR PREDISPOSITION SYNDROME 1; COMMON Syndrome. Identifiers: Orphanet 289539, MedGen C3280492, MONDO:0013692, OMIM 614327.

Allele frequency attached by ClinVar (database versions not stated): gnomAD 0.00001; TOPMed 0.00001; gnomAD exomes 0.00003 and 0.00004; ExAC 0.00004.
gnomAD v4.1: 38 of 1,613,998 alleles (0.0024%); highest among the groups gnomAD compares: Middle Eastern, 0.033%; no homozygotes.

Submissions (6):

Labcorp Genetics (formerly Invitae), Labcorp
Classification: Likely benign for BAP1-related tumor predisposition syndrome. Last evaluated: 2025-11-10. Review status: criteria provided, single submitter. Criteria: Invitae Variant Classification Sherloc (09022015). Collection method: clinical testing. Allele origin: germline.

Myriad Genetics, Inc.
Classification: Benign for BAP1-related tumor predisposition syndrome. Last evaluated: 2024-07-17. Review status: criteria provided, single submitter. Criteria: Myriad Autosomal Dominant, Autosomal Recessive and X-Linked Classification Criteria (2023). Collection method: clinical testing. Allele origin: unknown.
Comment: This variant is considered benign. This variant is a silent/synonymous amino acid change and it is not expected to impact splicing.

GeneDx
Classification: Likely benign. Last evaluated: 2020-01-20. Review status: criteria provided, single submitter. Criteria: GeneDx Variant Classification Process June 2021. Collection method: clinical testing. Allele origin: germline. Affected: yes.

Ambry Genetics
Classification: Likely benign for Hereditary cancer-predisposing syndrome. Last evaluated: 2018-11-13. Review status: criteria provided, single submitter. Criteria: Ambry Variant Classification Scheme 2023. Collection method: clinical testing. Allele origin: germline.

Color Diagnostics, LLC DBA Color Health
Classification: Likely benign for Hereditary cancer-predisposing syndrome. Last evaluated: 2018-10-16. Review status: criteria provided, single submitter. Criteria: ACMG Guidelines, 2015. Collection method: clinical testing. Allele origin: germline.

Illumina Laboratory Services, Illumina
Classification: Likely benign for BAP1-related tumor predisposition syndrome. Last evaluated: 2018-01-12. Review status: criteria provided, single submitter. Criteria: ICSL Variant Classification Criteria 13 December 2019. Collection method: clinical testing. Allele origin: germline.
Comment: This variant was observed in the ICSL laboratory as part of a predisposition screen in an ostensibly healthy population. It had not been previously curated by ICSL or reported in the Human Gene Mutation Database (HGMD: prior to June 1st, 2018), and was therefore a candidate for classification through an automated scoring system. Utilizing variant allele frequency, disease prevalence and penetrance estimates, and inheritance mode, an automated score was calculated to assess if this variant is too frequent to cause the disease. Based on the score and internal cut-off values, a variant classified as likely benign is not then subjected to further curation. The score for this variant resulted in a classification of likely benign for this disease.